The following is an entry in ClinVar:

ClinVar aggregate classification (germline): Likely pathogenic (1 of 4 stars; one submission).

Conditions:
Exostoses, multiple, type 2 (EXT2). Also called: Hereditary Multiple Osteochondromatosis, Type II; EXOSTOSES, MULTIPLE, TYPE II. Identifiers: Orphanet 321, MedGen C1851413, MONDO:0007586, OMIM 133701.

Submission:

Clinical Genetics Laboratory, Region Ostergotland
Classification: Likely pathogenic for Exostoses, multiple, type 2. Last evaluated: 2026-01-15. Review status: criteria provided, single submitter. Criteria: ACMG Guidelines, 2015. Collection method: clinical testing. Allele origin: germline. Affected: yes.
Comment: The variant is not found in population database (gnomAD v4.1.1) and not previously reported in ClinVar or HGMD. Loss-of-function variants in the EXT2 gene is a known mechanism of disease. The following ACMG/AMP criteria were applied in classifying this variant as Likely Pathogenic: PM2, PVS1

NM_207122.2(EXT2):c.465del (p.Ser156fs)

Gene: EXT2 (exostosin glycosyltransferase 2; plus strand). Cytogenetic location: 11p11.2.
Variant type: Deletion.
Coding change: c.465del on transcript NM_207122.2 (MANE Select); coding-DNA position 465, one base deleted (C; older notation c.465delC).
Protein change: p.Ser156fs; shifts the reading frame from serine 156.
Molecular consequence: frameshift variant.
Genome position (GRCh38, 1-based): chr11:44,108,177, C deleted; the last of 3 consecutive C bases (chr11:44,108,175-44,108,177); deleting any one gives the same sequence. VCF-style (leftmost placement, unchanged base first): chr11-44108174-TC-T. GRCh37 (hg19) VCF-style: chr11-44129724-TC-T.
Other names: c.564del, p.Ser189fs (NM_000401.3); c.465del, p.Ser156fs (NM_001178083.3, NM_001389628.1, NM_001389630.1); short protein forms S156fs, S189fs.
Identifiers: ClinVar variation 4871883 (VCV004871883.1).
Genomic context (GRCh38, chr11:44,108,174, plus strand): 5'-CATGGCCATCTCAGACAGTGACTACTACACTGATGACATCAACCGGGCCTGTCTGTTTGT[TC>T]CCTCCATCGATGTGCTTAACCAGAACACACTGCGCATCAAGGAGACAGCACAAGCGATGG-3'